The following is an entry in ClinVar:

ClinVar aggregate classification (germline): Likely benign (1 of 4 stars; one submission).

Submission:

CeGaT Center for Human Genetics Tuebingen
Classification: Likely benign. Last evaluated: 2026-03-01. Review status: criteria provided, single submitter. Criteria: CeGaT Center For Human Genetics Tuebingen Variant Classification Criteria Version 2. Collection method: clinical testing. Allele origin: germline. Affected: yes. Observed: 2 variant alleles.
Comment: SPTBN4: BP4, BP7

NM_020971.3(SPTBN4):c.4710C>T (p.Arg1570=)

Gene: SPTBN4 (spectrin beta, non-erythrocytic 4; plus strand). Cytogenetic location: 19q13.2.
Variant type: single nucleotide variant.
Coding change: c.4710C>T on transcript NM_020971.3 (MANE Select); coding-DNA position 4710, C replaced by T.
Protein change: p.Arg1570=; no amino-acid change (arginine 1570 retained).
Molecular consequence: synonymous variant.
Genome position (GRCh38, 1-based): chr19:40,554,182, C>T. VCF-style: chr19-40554182-C-T. GRCh37 (hg19) VCF-style: chr19-41060088-C-T.
Other names: c.738C>T, p.Arg246= (NM_025213.3).
Identifiers: ClinVar variation 3770994 (VCV003770994.13).
Genomic context (GRCh38, chr19:40,554,182, plus strand): 5'-ACATCCCCTTACCTCCTGCCCCCAGGGCCTGCGGCGGGAGATCCAGGCGCATGGGCCGCG[C>T]CTGGAGGAGGTGCTGGAGCGCGCGGGCGCGCTGGCGTCGCTGCGCAGCCCGGAGGCAGAG-3'
Protein context (NP_066022.2, residues 1560-1580): LRREIQAHGP[Arg1570=]LEEVLERAGA